The following is an entry in ClinVar:

ClinVar aggregate classification (germline): Pathogenic (1 of 4 stars; one submission).

Conditions:
Bloom syndrome (BLM). Also called: Bloom-Torre-Machacek syndrome. Identifiers: Orphanet 125, MedGen C0005859, MONDO:0008876, OMIM 210900.

Submission:

Labcorp Genetics (formerly Invitae), Labcorp
Classification: Pathogenic for Bloom syndrome. Last evaluated: 2021-06-12. Review status: criteria provided, single submitter. Criteria: Invitae Variant Classification Sherloc (09022015). Collection method: clinical testing. Allele origin: germline.
Comment: For these reasons, this variant has been classified as Pathogenic. This variant has not been reported in the literature in individuals with BLM-related conditions. This variant is not present in population databases (ExAC no frequency). This sequence change creates a premature translational stop signal (p.Ser622Asnfs*6) in the BLM gene. It is expected to result in an absent or disrupted protein product. Loss-of-function variants in BLM are known to be pathogenic (PMID: 17407155).

Literature cited by the submitters: PubMed 17407155.

NM_000057.4(BLM):c.1864_1865del (p.Ser622fs)

Gene: BLM (BLM RecQ like helicase; plus strand). Cytogenetic location: 15q26.1.
Variant type: Deletion.
Coding change: c.1864_1865del on transcript NM_000057.4 (MANE Select); coding-DNA positions 1864 to 1865, 2 bases deleted (TC; older notation c.1864_1865delTC).
Protein change: p.Ser622fs; shifts the reading frame from serine 622.
Molecular consequence: frameshift variant.
Genome position (GRCh38, 1-based): chr15:90,761,237-90,761,238, TC deleted. VCF-style (leftmost placement, unchanged base first): chr15-90761236-GTC-G. GRCh37 (hg19) VCF-style: chr15-91304466-GTC-G.
Other names: c.1864_1865del, p.Ser622fs (NM_001287246.2, NM_001287247.2); c.739_740del, p.Ser247fs (NM_001287248.2); short protein forms S247fs, S622fs.
Identifiers: ClinVar variation 1453263 (VCV001453263.6), dbSNP rs2151159180, ClinGen allele CA2573151485.